The following is an entry in ClinVar:

ClinVar aggregate classification (germline): Uncertain significance (1 of 4 stars; one submission).

Conditions:
Cardiovascular phenotype. Identifiers: MedGen CN230736.

Allele frequency attached by ClinVar (database versions not stated): gnomAD 0.00001; TOPMed 0.00001.
gnomAD v4.1: 4 of 1,612,026 alleles (0.00025%); highest among the groups gnomAD compares: Non-Finnish European, 0.00034%; no homozygotes.

Submission:

Ambry Genetics
Classification: Uncertain significance for Cardiovascular phenotype. Last evaluated: 2024-01-31. Review status: criteria provided, single submitter. Criteria: Ambry Variant Classification Scheme 2023. Collection method: clinical testing. Allele origin: germline.
Comment: The p.C1405S variant (also known as c.4214G>C), located in coding exon 15 of the AKAP9 gene, results from a G to C substitution at nucleotide position 4214. The cysteine at codon 1405 is replaced by serine, an amino acid with dissimilar properties. This amino acid position is conserved. In addition, this alteration is predicted to be tolerated by in silico analysis. Based on the available evidence, the clinical significance of this alteration remains unclear.

NM_005751.5(AKAP9):c.4214G>C (p.Cys1405Ser)

Gene: AKAP9 (A-kinase anchoring protein 9; plus strand). Cytogenetic location: 7q21.2.
Variant type: single nucleotide variant.
Coding change: c.4214G>C on transcript NM_005751.5 (MANE Select); coding-DNA position 4214, G replaced by C.
Protein change: p.Cys1405Ser; replaces cysteine 1405 with serine.
Molecular consequence: missense variant.
Genome position (GRCh38, 1-based): chr7:92,029,960, G>C. VCF-style: chr7-92029960-G-C. GRCh37 (hg19) VCF-style: chr7-91659274-G-C.
Other names: c.4214G>C, p.Cys1405Ser (NM_147185.3); short protein forms C1405S.
Identifiers: ClinVar variation 3225058 (VCV003225058.1), dbSNP rs1447947098, ClinGen allele CA368128230.
Genomic context (GRCh38, chr7:92,029,960, plus strand): 5'-CTGTTGATTCGGTGGTAATTACAGAATCTGATGCACAGAGAACAATGTACCCTGGAAGTT[G>C]TGTGAAAAAGAATATTGATGGTACAATAGAGGTATTATATTTTTAATTTTTATCTTTTAA-3'
Protein context (NP_005742.4, residues 1395-1415): DAQRTMYPGS[Cys1405Ser]VKKNIDGTIE